The following is an entry in ClinVar:

ClinVar aggregate classification (germline): Uncertain significance. Review status: criteria provided, multiple submitters, no conflicts (2 of 4 stars). 3 submissions from 3 submitters: Uncertain significance (3). Last evaluated 2026-08-17.

Conditions:
WFS1-related disorder. Identifiers: MedGen CN379391, MONDO:0700293.

Allele frequency attached by ClinVar (database versions not stated): gnomAD exomes below 0.00001.
gnomAD v4.1: 1 of 1,613,062 alleles (0.000062%); highest among the groups gnomAD compares: Non-Finnish European, 0.000085%; no homozygotes.

Submissions (3):

PreventionGenetics, part of Exact Sciences
Classification: Uncertain significance for WFS1-related condition. Last evaluated: 2026-08-17. Review status: criteria provided, single submitter. Criteria: ACMG Guidelines, 2015. Collection method: clinical testing. Allele origin: germline.
Comment: The WFS1 c.2048T>G variant is predicted to result in the amino acid substitution p.Met683Arg. This variant was reported in the compound heterozygous state with a WFS1 loss-of-function variant in an individual with Wolfram syndrome (Table 3, Rohayem et al. 2011. PubMed ID: 21602428) and in the heterozygous state without a second variant in two unrelated families, where in one family it was presented as segregating with low to mid frequency hearing loss in two affected family members (Table 1, Figure 2, Guo et al. 2023. PubMed ID: 36958120; Table S2, Gorukmez et al. 2023. PubMed ID: 36964972). This variant was also observed in two additional individuals with hearing loss, with age of onset 6-39 years, where in one case the inheritance was assessed as autosomal dominant and in the other case as unknown (Table S2, Usami et al. 2021. PubMed ID: 34599366). This variant has not been reported in a large population database (gnomAD), indicating this variant is rare. Although we suspect that this variant may be pathogenic, at this time, the clinical significance of this variant is uncertain due to the absence of conclusive functional and genetic evidence.

GeneDx
Classification: Uncertain significance. Last evaluated: 2025-04-21. Review status: criteria provided, single submitter. Criteria: GeneDx Variant Classification Process June 2021. Collection method: clinical testing. Allele origin: germline. Affected: yes.
Comment: Identified with a second WFS1 variant in a patient with juvenile-onset diabetes in published literature, however, additional clinical information was not provided and no other genes were analyzed (PMID: 21602428); Not observed at significant frequency in large population cohorts (gnomAD); In silico analysis indicates that this missense variant does not alter protein structure/function; This variant is associated with the following publications: (PMID: 36964972, 34599366, 36958120, 21602428)

Labcorp Genetics (formerly Invitae), Labcorp
Classification: Uncertain significance. Last evaluated: 2025-04-14. Review status: criteria provided, single submitter. Criteria: Invitae Variant Classification Sherloc (09022015). Collection method: clinical testing. Allele origin: germline.
Comment: This sequence change replaces methionine, which is neutral and non-polar, with arginine, which is basic and polar, at codon 683 of the WFS1 protein (p.Met683Arg). This variant is not present in population databases (gnomAD no frequency). This missense change has been observed in individual(s) with autosomal dominant deafness and/or autosomal recessive Wolfram syndrome (PMID: 21602428, 36958120, 36964972). ClinVar contains an entry for this variant (Variation ID: 2734645). Invitae Evidence Modeling of protein sequence and biophysical properties (such as structural, functional, and spatial information, amino acid conservation, physicochemical variation, residue mobility, and thermodynamic stability) has been performed for this missense variant. However, the output from this modeling did not meet the statistical confidence thresholds required to predict the impact of this variant on WFS1 protein function. In summary, the available evidence is currently insufficient to determine the role of this variant in disease. Therefore, it has been classified as a Variant of Uncertain Significance.

Literature cited by the submitters: PubMed 21602428 (cited by Labcorp Genetics (formerly Invitae), Labcorp); PubMed 36958120 (cited by Labcorp Genetics (formerly Invitae), Labcorp); PubMed 36964972 (cited by Labcorp Genetics (formerly Invitae), Labcorp).

NM_006005.3(WFS1):c.2048T>G (p.Met683Arg)

Gene: WFS1 (wolframin ER transmembrane glycoprotein; plus strand). Cytogenetic location: 4p16.1.
Variant type: single nucleotide variant.
Coding change: c.2048T>G on transcript NM_006005.3 (MANE Select); coding-DNA position 2048, T replaced by G.
Protein change: p.Met683Arg; replaces methionine 683 with arginine.
Molecular consequence: missense variant.
Genome position (GRCh38, 1-based): chr4:6,301,843, T>G. VCF-style: chr4-6301843-T-G. GRCh37 (hg19) VCF-style: chr4-6303570-T-G.
Other names: c.2048T>G, p.Met683Arg (NM_001145853.1); short protein forms M683R.
Identifiers: ClinVar variation 2734645 (VCV002734645.5), dbSNP rs2474195800, ClinGen allele CA356177603.
Genomic context (GRCh38, chr4:6,301,843, plus strand): 5'-CACTGACCTGGCAGCAGTATGGTGCGCTGTGCGGGCCACGCGCCTGGAAGGAGACCAACA[T>G]GGCGCGCACCCAGATCCTCTGCAGCCACCTGGAGGGCCACAGGGTCACGTGGACCGGCCG-3'
Protein context (NP_005996.2, residues 673-693): CGPRAWKETN[Met683Arg]ARTQILCSHL